The following is an entry in ClinVar:

ClinVar aggregate classification (germline): Uncertain significance (1 of 4 stars; one submission).

Submission:

GeneDx
Classification: Uncertain significance. Last evaluated: 2024-02-22. Review status: criteria provided, single submitter. Criteria: GeneDx Variant Classification Process June 2021. Collection method: clinical testing. Allele origin: germline. Affected: yes.
Comment: Not observed at significant frequency in large population cohorts (gnomAD); In silico analysis supports that this missense variant does not alter protein structure/function; Has not been previously published as pathogenic or benign to our knowledge

NM_004172.5(SLC1A3):c.470G>A (p.Arg157Lys)

Genes: SLC1A3 (solute carrier family 1 member 3; plus strand), SLC1A3-AS1 (SLC1A3 antisense RNA 1; minus strand). Cytogenetic location: 5p13.2.
Variant type: single nucleotide variant.
Coding change: c.470G>A on transcript NM_004172.5 (MANE Select); coding-DNA position 470, G replaced by A.
Protein change: p.Arg157Lys; replaces arginine 157 with lysine.
Molecular consequence: missense variant.
Genome position (GRCh38, 1-based): chr5:36,671,179, G>A. VCF-style: chr5-36671179-G-A. GRCh37 (hg19) VCF-style: chr5-36671281-G-A.
Other names: c.470G>A, p.Arg157Lys (NM_001166695.3, NM_001289940.2); c.332G>A, p.Arg111Lys (NM_001289939.2); short protein forms R111K, R157K.
Identifiers: ClinVar variation 3369648 (VCV003369648.1).